The following is an entry in ClinVar:

ClinVar aggregate classification (germline): Uncertain significance (1 of 4 stars; one submission).

Conditions:
Arrhythmogenic cardiomyopathy with wooly hair and keratoderma. Also called: PALMOPLANTAR KERATODERMA WITH LEFT VENTRICULAR CARDIOMYOPATHY AND WOOLLY HAIR; Carvajal syndrome; Dilated cardiomyopathy with woolly hair and keratoderma; Arrhythmogenic cardiomyopathy with woolly hair and keratoderma. Identifiers: Orphanet 65282, MedGen C1854063, MONDO:0011581, OMIM 605676.

Submission:

All of Us Research Program, National Institutes of Health
Classification: Uncertain significance for Arrhythmogenic cardiomyopathy with wooly hair and keratoderma. Last evaluated: 2023-09-04. Review status: criteria provided, single submitter. Criteria: ACMG Guidelines, 2015. Collection method: clinical testing. Allele origin: germline. Inheritance: Autosomal dominant inheritance. Observed: 1 variant allele, 1 heterozygote.
Comment: This variant is located in the DSP protein. To our knowledge, functional studies have not been reported for this variant. This variant has not been reported in individuals affected with DSP-related disorders in the literature. This variant has not been identified in the general population by the Genome Aggregation Database (gnomAD). The available evidence is insufficient to determine the role of this variant in disease conclusively. Therefore, this variant is classified as a Variant of Uncertain Significance.

This study involves interpretation of variants in research participants for the purpose of population health screening. Participant phenotype was not available at the time of variant classification. Additional details can be found in publication PMID: 35346344, PMCID: PMC8962531

NM_004415.4(DSP):c.7494G>A (p.Glu2498=)

Gene: DSP (desmoplakin; plus strand). Cytogenetic location: 6p24.3.
Variant type: single nucleotide variant.
Coding change: c.7494G>A on transcript NM_004415.4 (MANE Select); coding-DNA position 7494, G replaced by A.
Protein change: p.Glu2498=; no amino-acid change (glutamic acid 2498 retained).
Molecular consequence: synonymous variant.
Genome position (GRCh38, 1-based): chr6:7,584,756, G>A. VCF-style: chr6-7584756-G-A. GRCh37 (hg19) VCF-style: chr6-7584989-G-A.
Other names: c.5697G>A, p.Glu1899= (NM_001008844.3); c.6165G>A, p.Glu2055= (NM_001319034.2).
Identifiers: ClinVar variation 3073278 (VCV003073278.1), dbSNP rs2533946117, ClinGen allele CA448716212.